The following is an entry in ClinVar:

NM_001048174.2(MUTYH):c.1366G>T (p.Ala456Ser)

Gene: MUTYH (mutY DNA glycosylase; minus strand). Cytogenetic location: 1p34.1.
Variant type: single nucleotide variant.
Coding change: c.1366G>T on transcript NM_001048174.2 (MANE Select); coding-DNA position 1366, G replaced by T.
Protein change: p.Ala456Ser; replaces alanine 456 with serine.
Molecular consequence: missense variant. On other transcripts: non-coding transcript variant (7).
Genome position (GRCh38, 1-based): chr1:45,331,208, C>A on the plus strand (G>T on the coding strand, the complement: MUTYH is on the minus strand). VCF-style: chr1-45331208-C-A. GRCh37 (hg19) VCF-style: chr1-45796880-C-A.
Other names: c.1366G>T, p.Ala456Ser (NM_001048171.2, NM_001048173.2, NM_001293195.2 and 6 more transcripts); c.1369G>T, p.Ala457Ser (NM_001048172.2, NM_001407086.1, NM_001407071.1 and 1 more transcripts); c.1450G>T, p.Ala484Ser (NM_001128425.2); c.1411G>T, p.Ala471Ser (NM_001293190.2); c.1399G>T, p.Ala467Ser (NM_001293191.2, NM_001407069.1, NM_001407077.1); c.1090G>T, p.Ala364Ser (NM_001293192.2, NM_001293196.2, NM_001407091.1); c.1021G>T, p.Ala341Ser (NM_001350650.2, NM_001350651.2, NM_001407082.1); c.1408G>T, p.Ala470Ser (NM_001407083.1, NM_001407085.1); and 5 more; short protein forms A428S, A457S, A471S, A341S, A364S, A443S, A470S, A484S.
Identifiers: ClinVar variation 4827485 (VCV004827485.1).

ClinVar aggregate classification (germline): Uncertain significance (1 of 4 stars; one submission).

Conditions:
Hereditary cancer-predisposing syndrome. Also called: Neoplastic Syndromes, Hereditary; Tumor predisposition; Hereditary Cancer Syndrome; Hereditary neoplastic syndrome. Identifiers: Orphanet 140162, MedGen C0027672, MeSH D009386, MONDO:0015356.

Submission:

Ambry Genetics
Classification: Uncertain significance for Hereditary cancer-predisposing syndrome. Last evaluated: 2026-03-02. Review status: criteria provided, single submitter. Criteria: Ambry Variant Classification Scheme 2023. Collection method: clinical testing. Allele origin: germline.
Comment: The p.A484S variant (also known as c.1450G>T), located in coding exon 14 of the MUTYH gene, results from a G to T substitution at nucleotide position 1450. The alanine at codon 484 is replaced by serine, an amino acid with similar properties. In a massively parallel cell-based functional assay testing 7,8-dihydro-8-oxoguanine:adenine (8OG:A) repair activity, a byproduct of oxidative damage, this variant was reported to be inconclusive (Hemker SL et al. Am J Hum Genet, 2025 Sep;112:2010-2026). This amino acid position is not well conserved in available vertebrate species. In addition, the in silico prediction for this alteration is inconclusive. Based on the available evidence, the clinical significance of this variant remains unclear.

Literature cited by the submitters: PubMed 40738107.